The following is an entry in ClinVar:

NM_000143.4(FH):c.556-1G>A

Gene: FH (fumarate hydratase; minus strand). Cytogenetic location: 1q43.
Variant type: single nucleotide variant.
Coding change: c.556-1G>A on transcript NM_000143.4 (MANE Select); the canonical splice acceptor site of the intron before coding-DNA position 556, G replaced by A.
Molecular consequence: splice acceptor variant.
Genome position (GRCh38, 1-based): chr1:241,508,786, C>T on the plus strand (G>A on the coding strand, the complement: FH is on the minus strand). VCF-style: chr1-241508786-C-T. GRCh37 (hg19) VCF-style: chr1-241672086-C-T.
Identifiers: ClinVar variation 3706707 (VCV003706707.2).

ClinVar aggregate classification (germline): Likely pathogenic (1 of 4 stars; one submission).

Submission:

Labcorp Genetics (formerly Invitae), Labcorp
Classification: Likely pathogenic. Last evaluated: 2024-10-11. Review status: criteria provided, single submitter. Criteria: Invitae Variant Classification Sherloc (09022015). Collection method: clinical testing. Allele origin: germline.
Comment: This sequence change affects an acceptor splice site in intron 4 of the FH gene. It is expected to disrupt RNA splicing. Variants that disrupt the donor or acceptor splice site typically lead to a loss of protein function (PMID: 16199547), and loss-of-function variants in FH are known to be pathogenic (PMID: 11865300, 21398687). This variant is not present in population databases (gnomAD no frequency). Disruption of this splice site has been observed in individual(s) with uterine leiomyomas (PMID: 34519924). Algorithms developed to predict the effect of sequence changes on RNA splicing suggest that this variant may disrupt the consensus splice site. In summary, the currently available evidence indicates that the variant is pathogenic, but additional data are needed to prove that conclusively. Therefore, this variant has been classified as Likely Pathogenic.

Literature cited by the submitters: PubMed 16199547; PubMed 11865300; PubMed 21398687; PubMed 34519924.